The following is an entry in ClinVar:

ClinVar aggregate classification (germline): Uncertain significance. Review status: criteria provided, multiple submitters, no conflicts (2 of 4 stars). 2 submissions from 2 submitters: Uncertain significance (2). Last evaluated 2025-01-21.

Conditions:
Inborn genetic diseases. Identifiers: MedGen C0950123, MeSH D030342.
Cryptosporidiosis-chronic cholangitis-liver disease syndrome. Also called: Immunodeficiency type 56; IL21R immunodeficiency. Identifiers: Orphanet 357329, MedGen C3554687, MONDO:0014082, OMIM 615207.

Allele frequency attached by ClinVar (database versions not stated): ExAC 0.00001.
gnomAD v4.1: 2 of 1,607,112 alleles (0.00012%); highest among the groups gnomAD compares: Admixed American, 0.0033%; no homozygotes.

Submissions (2):

Ambry Genetics
Classification: Uncertain significance for Inborn genetic diseases. Last evaluated: 2025-01-21. Review status: criteria provided, single submitter. Criteria: Ambry Variant Classification Scheme 2023. Collection method: clinical testing. Allele origin: germline.

Labcorp Genetics (formerly Invitae), Labcorp
Classification: Uncertain significance for Cryptosporidiosis-chronic cholangitis-liver disease syndrome. Last evaluated: 2022-08-31. Review status: criteria provided, single submitter. Criteria: Invitae Variant Classification Sherloc (09022015). Collection method: clinical testing. Allele origin: germline.
Comment: This sequence change replaces threonine, which is neutral and polar, with serine, which is neutral and polar, at codon 50 of the IL21R protein (p.Thr50Ser). This variant is present in population databases (rs776178795, gnomAD 0.009%). In summary, the available evidence is currently insufficient to determine the role of this variant in disease. Therefore, it has been classified as a Variant of Uncertain Significance. Algorithms developed to predict the effect of sequence changes on RNA splicing suggest that this variant may create or strengthen a splice site. Algorithms developed to predict the effect of missense changes on protein structure and function are either unavailable or do not agree on the potential impact of this missense change (SIFT: "Tolerated"; PolyPhen-2: "Possibly Damaging"; Align-GVGD: "Class C0"). ClinVar contains an entry for this variant (Variation ID: 1001818). This variant has not been reported in the literature in individuals affected with IL21R-related conditions.

NM_181078.3(IL21R):c.149C>G (p.Thr50Ser)

Gene: IL21R (interleukin 21 receptor; plus strand). Cytogenetic location: 16p12.1.
Variant type: single nucleotide variant.
Coding change: c.149C>G on transcript NM_181078.3 (MANE Select); coding-DNA position 149, C replaced by G.
Protein change: p.Thr50Ser; replaces threonine 50 with serine.
Molecular consequence: missense variant.
Genome position (GRCh38, 1-based): chr16:27,434,446, C>G. VCF-style: chr16-27434446-C-G. GRCh37 (hg19) VCF-style: chr16-27445767-C-G.
Other names: c.215C>G (NM_181079.4); c.149C>G, p.Thr50Ser (NM_021798.4); c.215C>G, p.Thr72Ser (NM_181079.5); short protein forms T50S, T72S.
Identifiers: ClinVar variation 1001818 (VCV001001818.10), dbSNP rs776178795, ClinGen allele CA7974881.